The following is an entry in ClinVar:

ClinVar aggregate classification (germline): Uncertain significance. Review status: criteria provided, multiple submitters, no conflicts (2 of 4 stars). 3 submissions from 3 submitters: Uncertain significance (3). Last evaluated 2025-08-26.

Conditions:
Hereditary cancer-predisposing syndrome. Also called: Neoplastic Syndromes, Hereditary; Tumor predisposition; Hereditary neoplastic syndrome; Hereditary Cancer Syndrome. Identifiers: Orphanet 140162, MedGen C0027672, MeSH D009386, MONDO:0015356.
Ataxia-telangiectasia syndrome (AT). Also called: Cerebello-oculocutaneous telangiectasia; Immunodeficiency with ataxia telangiectasia; Ataxia-telangiectasia; Ataxia telangiectasia (A-T); LOUIS-BAR SYNDROME; Ataxia-telangiectasia, complementation group D. Identifiers: Orphanet 100, MedGen C0004135, MONDO:0008840, OMIM 208900.

Submissions (3):

Labcorp Genetics (formerly Invitae), Labcorp
Classification: Uncertain significance for Ataxia-telangiectasia syndrome. Last evaluated: 2025-08-26. Review status: criteria provided, single submitter. Criteria: Invitae Variant Classification Sherloc (09022015). Collection method: clinical testing. Allele origin: germline.
Comment: This sequence change replaces glycine, which is neutral and non-polar, with valine, which is neutral and non-polar, at codon 1746 of the ATM protein (p.Gly1746Val). This variant is not present in population databases (gnomAD no frequency). This missense change has been observed in individual(s) with progressive cerebellar atrophy and ataxia (internal data). In at least one individual the data is consistent with being in trans (on the opposite chromosome) from a pathogenic variant. ClinVar contains an entry for this variant (Variation ID: 246169). Invitae Evidence Modeling of protein sequence and biophysical properties (such as structural, functional, and spatial information, amino acid conservation, physicochemical variation, residue mobility, and thermodynamic stability) indicates that this missense variant is expected to disrupt ATM protein function with a positive predictive value of 95%. Studies have shown that this missense change is associated with inconclusive levels of altered splicing (internal data). In summary, the available evidence is currently insufficient to determine the role of this variant in disease. Therefore, it has been classified as a Variant of Uncertain Significance.

Ambry Genetics
Classification: Uncertain significance for Hereditary cancer-predisposing syndrome. Last evaluated: 2025-01-22. Review status: criteria provided, single submitter. Criteria: Ambry Variant Classification Scheme 2023. Collection method: clinical testing. Allele origin: germline.
Comment: The p.G1746V variant (also known as c.5237G>T), located in coding exon 34 of the ATM gene, results from a G to T substitution at nucleotide position 5237. The glycine at codon 1746 is replaced by valine, an amino acid with dissimilar properties. This alteration was detected in 1/5589 German BRCA1/2-negative probands with breast cancer (Hauke J et al. Cancer Med, 2018 04;7:1349-1358). This alteration was also reported as a variant of unknown significance seen in conjunction with a likely pathogenic gross duplication in ATM in one patient who underwent next generation sequencing panel testing (Truty R et al. Genet Med, 2019 01;21:114-123). This amino acid position is highly conserved in available vertebrate species. In addition, this alteration is predicted to be deleterious by in silico analysis. Based on the available evidence, the clinical significance of this variant remains unclear.

GeneDx
Classification: Uncertain significance. Last evaluated: 2023-09-19. Review status: criteria provided, single submitter. Criteria: GeneDx Variant Classification Process June 2021. Collection method: clinical testing. Allele origin: germline. Affected: yes.
Comment: Not observed at significant frequency in large population cohorts (gnomAD); In silico analysis supports that this missense variant has a deleterious effect on protein structure/function; Observed in an individual with breast cancer (Hauke et al., 2018); This variant is associated with the following publications: (PMID: 29895855, 29522266)

Literature cited by the submitters: PubMed 29522266 (cited by Ambry Genetics); PubMed 29895855 (cited by Ambry Genetics).

NM_000051.4(ATM):c.5237G>T (p.Gly1746Val)

Gene: ATM (ATM serine/threonine kinase; plus strand). Cytogenetic location: 11q22.3.
Variant type: single nucleotide variant.
Coding change: c.5237G>T on transcript NM_000051.4 (MANE Select); coding-DNA position 5237, G replaced by T.
Protein change: p.Gly1746Val; replaces glycine 1746 with valine.
Molecular consequence: missense variant.
Genome position (GRCh38, 1-based): chr11:108,301,707, G>T. VCF-style: chr11-108301707-G-T. GRCh37 (hg19) VCF-style: chr11-108172434-G-T.
Other names: c.5237G>T, p.Gly1746Val (NM_001351834.2); short protein forms G1746V.
Identifiers: ClinVar variation 246169 (VCV000246169.20), dbSNP rs879254135, ClinGen allele CA10584346.